The following is an entry in ClinVar:

NM_002878.4(RAD51D):c.924_932del (p.Met308_Asp310del)

Genes: RAD51D (RAD51 paralog D; minus strand), RAD51L3-RFFL (RAD51L3-RFFL readthrough; minus strand). Cytogenetic location: 17q12.
Variant type: Deletion.
Coding change: c.924_932del on transcript NM_002878.4 (MANE Select); coding-DNA positions 924 to 932, 9 bases deleted (GGTAGACAT; older notation c.924_932delGGTAGACAT).
Protein change: p.Met308_Asp310del.
Molecular consequence: inframe deletion. On other transcripts: non-coding transcript variant (2).
Genome position (GRCh38, 1-based): chr17:35,101,008-35,101,016, ATGTCTACC deleted on the plus strand (GGTAGACAT on the coding strand, the reverse complement: RAD51D is on the minus strand); deleting any 9 consecutive bases within chr17:35,101,008-35,101,018 gives the same sequence; the c. name uses the placement nearest the transcript's 3' end. VCF-style (leftmost placement, unchanged base first): chr17-35101007-AATGTCTACC-A. GRCh37 (hg19) VCF-style: chr17-33428026-AATGTCTACC-A.
Other names: c.984_992del, p.Met328_Asp330del (NM_001142571.2); c.588_596del, p.Met196_Asp198del (NM_133629.3); c.924_932delGGTAGACAT (NM_002878.3).
Identifiers: ClinVar variation 539849 (VCV000539849.16), dbSNP rs1555566974, ClinGen allele CA625548751.

ClinVar aggregate classification (germline): Uncertain significance. Review status: criteria provided, multiple submitters, no conflicts (2 of 4 stars). 3 submissions from 3 submitters: Uncertain significance (3). Last evaluated 2026-01-05.

Conditions:
Hereditary cancer-predisposing syndrome. Also called: Neoplastic Syndromes, Hereditary; Hereditary Cancer Syndrome; Hereditary neoplastic syndrome; Tumor predisposition. Identifiers: Orphanet 140162, MedGen C0027672, MeSH D009386, MONDO:0015356.
Breast-ovarian cancer, familial, susceptibility to, 4. Identifiers: Orphanet 145, MedGen C3280345, MONDO:0013669, OMIM 614291.

Submissions (3):

Labcorp Genetics (formerly Invitae), Labcorp
Classification: Uncertain significance for Breast-ovarian cancer, familial, susceptibility to, 4. Last evaluated: 2026-01-05. Review status: criteria provided, single submitter. Criteria: Invitae Variant Classification Sherloc (09022015). Collection method: clinical testing. Allele origin: germline.
Comment: This variant, c.924_932del, results in the deletion of 3 amino acid(s) of the RAD51D protein (p.Met308_Asp310del), but otherwise preserves the integrity of the reading frame. This variant is present in population databases (no rsID available, gnomAD 0.002%). This variant has not been reported in the literature in individuals affected with RAD51D-related conditions. ClinVar contains an entry for this variant (Variation ID: 539849). Experimental studies and prediction algorithms are not available or were not evaluated, and the functional significance of this variant is currently unknown. In summary, the available evidence is currently insufficient to determine the role of this variant in disease. Therefore, it has been classified as a Variant of Uncertain Significance.

GeneDx
Classification: Uncertain significance. Last evaluated: 2025-01-12. Review status: criteria provided, single submitter. Criteria: GeneDx Variant Classification Process June 2021. Collection method: clinical testing. Allele origin: germline. Affected: yes.
Comment: In-frame deletion of 3 amino acids in a non-repeat region; In silico analysis supports a deleterious effect on protein structure/function; Has not been previously published as pathogenic or benign to our knowledge; Located in the critical RAD51C binding region of the ATPase domain (PMID: 21111057, 14704354, 19327148); Not observed at significant frequency in large population cohorts (gnomAD); This variant is associated with the following publications: (PMID: 21111057, 14704354, 19327148)

Ambry Genetics
Classification: Uncertain significance for Hereditary cancer-predisposing syndrome. Last evaluated: 2024-09-13. Review status: criteria provided, single submitter. Criteria: Ambry Variant Classification Scheme 2023. Collection method: clinical testing. Allele origin: germline.
Comment: The c.924_932delGGTAGACAT variant (also known as p.M308_D310del) is located in coding exon 10 of the RAD51D gene. This variant results from an in-frame GGTAGACAT deletion at nucleotide positions 924 to 932. This results in the in-frame deletion of three amino acids at codons 308 to 310. This amino acid region is not well conserved in available vertebrate species. In addition, this alteration is predicted to be deleterious by in silico analysis (Choi Y et al. PLoS ONE. 2012; 7(10):e46688). Since supporting evidence is limited at this time, the clinical significance of this alteration remains unclear.